The following is an entry in ClinVar:

NM_020159.5(SMARCAD1):c.933A>G (p.Glu311=)

Gene: SMARCAD1 (SNF2 related chromatin remodeling ATPase with DExD box 1; plus strand). Cytogenetic location: 4q22.3.
Variant type: single nucleotide variant.
Coding change: c.933A>G on transcript NM_020159.5 (MANE Select); coding-DNA position 933, A replaced by G.
Protein change: p.Glu311=; no amino-acid change (glutamic acid 311 retained).
Molecular consequence: synonymous variant. On other transcripts: non-coding transcript variant (17).
Genome position (GRCh38, 1-based): chr4:94,252,659, A>G. VCF-style: chr4-94252659-A-G. GRCh37 (hg19) VCF-style: chr4-95173810-A-G.
Other names: c.933A>G, p.Glu311= (NM_001128429.3, NM_001128430.2, NM_001375855.1 and 2 more transcripts); c.930A>G, p.Glu310= (NM_001375857.1).
Identifiers: ClinVar variation 789281 (VCV000789281.29), dbSNP rs61750822, ClinGen allele CA3013223.

ClinVar aggregate classification (germline): Benign/Likely benign. Review status: criteria provided, multiple submitters, no conflicts (2 of 4 stars). 4 submissions from 4 submitters: Benign (2); Likely benign (1). 1 of the submissions does not count toward it. Last evaluated 2022-04-01.

Conditions:
SMARCAD1-related disorder. Also called: SMARCAD1-related condition.

Allele frequency attached by ClinVar (database versions not stated): 1000 Genomes Project 30x 0.00125; 1000 Genomes Project 0.00140; gnomAD exomes 0.00419 and 0.00760; gnomAD 0.00451 and 0.00462; TOPMed 0.00476; ExAC 0.00491; ESP Exome Variant Server 0.00532.
gnomAD v4.1: 11,441 of 1,575,152 alleles (0.73%); highest among the groups gnomAD compares: Non-Finnish European, 0.92%; 71 homozygotes.

Submissions (4):

CeGaT Center for Human Genetics Tuebingen
Classification: Likely benign. Last evaluated: 2022-04-01. Review status: criteria provided, single submitter. Criteria: CeGaT Center For Human Genetics Tuebingen Variant Classification Criteria Version 2. Collection method: clinical testing. Allele origin: germline. Affected: yes. Observed: 1 variant allele.
Comment: SMARCAD1: BP4, BP7

Labcorp Genetics (formerly Invitae), Labcorp
Classification: Benign. Last evaluated: 2019-12-31. Review status: criteria provided, single submitter. Criteria: Invitae Variant Classification Sherloc (09022015). Collection method: clinical testing. Allele origin: germline.

Breakthrough Genomics
Classification: Benign. Review status: criteria provided, single submitter. Criteria: ACMG Guidelines, 2015. Collection method: not provided. Allele origin: germline. Inheritance: Autosomal dominant inheritance. Affected: yes.

PreventionGenetics, part of Exact Sciences
Classification: Likely benign for SMARCAD1-related condition. Last evaluated: 2024-05-29. Review status: no assertion criteria provided. Collection method: clinical testing. Allele origin: germline. Not counted in ClinVar's aggregate classification.
Comment: This variant is classified as likely benign based on ACMG/AMP sequence variant interpretation guidelines (Richards et al. 2015 PMID: 25741868, with internal and published modifications).